The following is an entry in ClinVar:

NM_002485.5(NBN):c.2039G>C (p.Gly680Ala)

Gene: NBN (nibrin; minus strand). Cytogenetic location: 8q21.3.
Variant type: single nucleotide variant.
Coding change: c.2039G>C on transcript NM_002485.5 (MANE Select); coding-DNA position 2039, G replaced by C.
Protein change: p.Gly680Ala; replaces glycine 680 with alanine.
Molecular consequence: missense variant.
Genome position (GRCh38, 1-based): chr8:89,946,171, C>G on the plus strand (G>C on the coding strand, the complement: NBN is on the minus strand). VCF-style: chr8-89946171-C-G. GRCh37 (hg19) VCF-style: chr8-90958399-C-G.
Other names: c.1793G>C, p.Gly598Ala (NM_001024688.3, NM_001440379.1, NM_001440380.1); short protein forms G598A, G680A.
Identifiers: ClinVar variation 4722128 (VCV004722128.1).

ClinVar aggregate classification (germline): Uncertain significance (1 of 4 stars; one submission).

Conditions:
Microcephaly, normal intelligence and immunodeficiency (NBS). Also called: BERLIN BREAKAGE SYNDROME; Immunodeficiency, microcephaly with normal intelligence; IMMUNODEFICIENCY, MICROCEPHALY, AND CHROMOSOMAL INSTABILITY; SEEMANOVA SYNDROME II; Ataxia telangiectasia variant V1; Nijmegen breakage syndrome. Identifiers: Orphanet 647, MedGen C0398791, MONDO:0009623, OMIM 251260.

Submission:

Labcorp Genetics (formerly Invitae), Labcorp
Classification: Uncertain significance for Microcephaly, normal intelligence and immunodeficiency. Last evaluated: 2025-12-24. Review status: criteria provided, single submitter. Criteria: Invitae Variant Classification Sherloc (09022015). Collection method: clinical testing. Allele origin: germline.
Comment: This sequence change replaces glycine, which is neutral and non-polar, with alanine, which is neutral and non-polar, at codon 680 of the NBN protein (p.Gly680Ala). This variant is not present in population databases (gnomAD no frequency). This variant has not been reported in the literature in individuals affected with NBN-related conditions. An algorithm developed to predict the effect of missense changes on protein structure and function (PolyPhen-2) suggests that this variant is likely to be tolerated. In summary, the available evidence is currently insufficient to determine the role of this variant in disease. Therefore, it has been classified as a Variant of Uncertain Significance.